The following is an entry in ClinVar:

ClinVar aggregate classification (germline): Conflicting classifications of pathogenicity. Review status: criteria provided, conflicting classifications (1 of 4 stars). 3 submissions from 3 submitters: Pathogenic (1); Uncertain significance (2). Last evaluated 2026-01-15.

Conditions:
Hypertrophic cardiomyopathy 20. Identifiers: MedGen C3151267, MONDO:0013477, OMIM 613876.
Dilated cardiomyopathy 1CC (CMD1CC). Identifiers: Orphanet 154, MedGen C2751084, MONDO:0013147, OMIM 613122.
Cardiovascular phenotype. Identifiers: MedGen CN230736.

Allele frequency attached by ClinVar (database versions not stated): gnomAD 0.00001; gnomAD exomes 0.00001; TOPMed 0.00002; ExAC 0.00003.
gnomAD v4.1: 10 of 1,613,548 alleles (0.00062%); highest among the groups gnomAD compares: Admixed American, 0.0017%; no homozygotes.

Submissions (3):

Labcorp Genetics (formerly Invitae), Labcorp
Classification: Pathogenic for Dilated cardiomyopathy 1CC; Hypertrophic cardiomyopathy 20. Last evaluated: 2026-01-15. Review status: criteria provided, single submitter. Criteria: Invitae Variant Classification Sherloc (09022015). Collection method: clinical testing. Allele origin: germline.
Comment: This sequence change creates a premature translational stop signal (p.Arg471*) in the NEXN gene. It is expected to result in an absent or disrupted protein product. Loss-of-function variants in NEXN are known to be pathogenic (PMID: 19881492, 32058062, 32814711, 32870709, 33949776, 38059363, 40680702). This variant is present in population databases (rs777418673, gnomAD 0.002%). This variant has not been reported in the literature in individuals affected with NEXN-related conditions. ClinVar contains an entry for this variant (Variation ID: 1677775). For these reasons, this variant has been classified as Pathogenic.

AiLife Diagnostics
Classification: Uncertain significance. Last evaluated: 2022-01-05. Review status: criteria provided, single submitter. Criteria: ACMG Guidelines, 2015. Collection method: clinical testing. Allele origin: germline. Affected: yes. Observed: 1 variant allele.

Ambry Genetics
Classification: Uncertain significance for Cardiovascular phenotype. Last evaluated: 2021-10-18. Review status: criteria provided, single submitter. Criteria: Ambry Variant Classification Scheme 2023. Collection method: clinical testing. Allele origin: germline.
Comment: The p.R471* variant (also known as c.1411C>T), located in coding exon 10 of the NEXN gene, results from a C to T substitution at nucleotide position 1411. This changes the amino acid from an arginine to a stop codon within coding exon 10. This alteration is expected to result in premature protein truncation or nonsense-mediated mRNA decay. However, loss of function of NEXN has not been clearly established as a mechanism of disease. Since supporting evidence is limited at this time, the clinical significance of this alteration remains unclear.

Literature cited by the submitters: PubMed 19881492 (cited by Labcorp Genetics (formerly Invitae), Labcorp); PubMed 32058062 (cited by Labcorp Genetics (formerly Invitae), Labcorp); PubMed 32814711 (cited by Labcorp Genetics (formerly Invitae), Labcorp); PubMed 32870709 (cited by Labcorp Genetics (formerly Invitae), Labcorp); PubMed 33949776 (cited by Labcorp Genetics (formerly Invitae), Labcorp); PubMed 38059363 (cited by Labcorp Genetics (formerly Invitae), Labcorp); PubMed 40680702 (cited by Labcorp Genetics (formerly Invitae), Labcorp).

NM_144573.4(NEXN):c.1411C>T (p.Arg471Ter)

Gene: NEXN (nexilin F-actin binding protein; plus strand). Cytogenetic location: 1p31.1.
Variant type: single nucleotide variant.
Coding change: c.1411C>T on transcript NM_144573.4 (MANE Select); coding-DNA position 1411, C replaced by T.
Protein change: p.Arg471Ter; replaces arginine 471 with a stop codon.
Molecular consequence: nonsense.
Genome position (GRCh38, 1-based): chr1:77,935,982, C>T. VCF-style: chr1-77935982-C-T. GRCh37 (hg19) VCF-style: chr1-78401667-C-T.
Other names: c.1219C>T, p.Arg407Ter (NM_001172309.2); short protein forms R407*, R471*.
Identifiers: ClinVar variation 1677775 (VCV001677775.5), dbSNP rs777418673, ClinGen allele CA918870.